The following is an entry in ClinVar:

ClinVar aggregate classification (germline): Uncertain significance. Review status: criteria provided, single submitter (1 of 4 stars). 2 submissions from 2 submitters: Uncertain significance (1). 1 of the submissions does not count toward it. Last evaluated 2022-08-21.

Conditions:
TP63-related disorder. Also called: TP63-Related Disorders; TP63-related condition. Identifiers: MedGen CN380159.
TP63-Related Spectrum Disorders.

Allele frequency attached by ClinVar (database versions not stated): gnomAD exomes below 0.00001; ExAC 0.00002; gnomAD 0.00003; ESP Exome Variant Server 0.00008; TOPMed 0.00008.
gnomAD v4.1: 12 of 1,614,038 alleles (0.00074%); highest among the groups gnomAD compares: African/African-American, 0.0093%; 1 homozygote.

Submissions (2):

Labcorp Genetics (formerly Invitae), Labcorp
Classification: Uncertain significance. Last evaluated: 2022-08-21. Review status: criteria provided, single submitter. Criteria: Invitae Variant Classification Sherloc (09022015). Collection method: clinical testing. Allele origin: germline.
Comment: In summary, the available evidence is currently insufficient to determine the role of this variant in disease. Therefore, it has been classified as a Variant of Uncertain Significance. Algorithms developed to predict the effect of missense changes on protein structure and function are either unavailable or do not agree on the potential impact of this missense change (SIFT: "Deleterious"; PolyPhen-2: "Probably Damaging"; Align-GVGD: "Class C0"). This variant has not been reported in the literature in individuals affected with TP63-related conditions. This variant is present in population databases (rs374833411, gnomAD 0.02%). This sequence change replaces isoleucine, which is neutral and non-polar, with threonine, which is neutral and polar, at codon 225 of the TP63 protein (p.Ile225Thr).

PreventionGenetics, part of Exact Sciences
Classification: Uncertain significance for TP63-related condition. Last evaluated: 2024-08-22. Review status: no assertion criteria provided. Collection method: clinical testing. Allele origin: germline. Not counted in ClinVar's aggregate classification.
Comment: The TP63 c.674T>C variant is predicted to result in the amino acid substitution p.Ile225Thr. This variant was detected in the heterozygous sate in an individual with childhood-onset neuroblastoma (Supp. Table S2. Kim et al. 2021. PubMed ID: 34308104) and in an individual with primary ovarian insufficiency (Heddar et al. 2022. PubMed ID: 36099812). Additional evidence was not provided in these studies to establish causation. This variant is reported in 0.012% of alleles in individuals of African descent in gnomAD. At this time, the clinical significance of this variant is uncertain due to the absence of conclusive functional and genetic evidence.

NM_003722.5(TP63):c.674T>C (p.Ile225Thr)

Gene: TP63 (tumor protein p63; plus strand). Cytogenetic location: 3q28.
Variant type: single nucleotide variant.
Coding change: c.674T>C on transcript NM_003722.5 (MANE Select); coding-DNA position 674, T replaced by C.
Protein change: p.Ile225Thr; replaces isoleucine 225 with threonine.
Molecular consequence: missense variant.
Genome position (GRCh38, 1-based): chr3:189,864,326, T>C. VCF-style: chr3-189864326-T-C. GRCh37 (hg19) VCF-style: chr3-189582115-T-C.
Other names: c.392T>C, p.Ile131Thr (NM_001114980.2, NM_001114981.2, NM_001114982.2 and 2 more transcripts); c.674T>C, p.Ile225Thr (NM_001329144.2, NM_001329148.2, NM_001114978.2 and 1 more transcripts); c.137T>C, p.Ile46Thr (NM_001329146.2, NM_001329150.2); c.668T>C, p.Ile223Thr (NM_001329964.2); c.674T>C (NM_003722.4); short protein forms I131T, I223T, I225T, I46T.
Identifiers: ClinVar variation 2199304 (VCV002199304.4), dbSNP rs374833411, ClinGen allele CA2752225.